The following is an entry in ClinVar:

NM_005751.5(AKAP9):c.10763T>C (p.Leu3588Pro)

Gene: AKAP9 (A-kinase anchoring protein 9; plus strand). Cytogenetic location: 7q21.2.
Variant type: single nucleotide variant.
Coding change: c.10763T>C on transcript NM_005751.5 (MANE Select); coding-DNA position 10763, T replaced by C.
Protein change: p.Leu3588Pro; replaces leucine 3588 with proline.
Molecular consequence: missense variant.
Genome position (GRCh38, 1-based): chr7:92,099,736, T>C. VCF-style: chr7-92099736-T-C. GRCh37 (hg19) VCF-style: chr7-91729050-T-C.
Other names: c.5408T>C, p.Leu1803Pro (NM_001379277.1); c.10739T>C, p.Leu3580Pro (NM_147185.3); short protein forms L3588P, L3580P, L1803P.
Identifiers: ClinVar variation 1784824 (VCV001784824.2), dbSNP rs2535308610, ClinGen allele CA368158503.

ClinVar aggregate classification (germline): Uncertain significance (1 of 4 stars; one submission).

Conditions:
Cardiovascular phenotype. Identifiers: MedGen CN230736.

Submission:

Ambry Genetics
Classification: Uncertain significance for Cardiovascular phenotype. Last evaluated: 2021-11-28. Review status: criteria provided, single submitter. Criteria: Ambry Variant Classification Scheme 2023. Collection method: clinical testing. Allele origin: germline.
Comment: The p.L3588P variant (also known as c.10763T>C), located in coding exon 44 of the AKAP9 gene, results from a T to C substitution at nucleotide position 10763. The leucine at codon 3588 is replaced by proline, an amino acid with similar properties. This amino acid position is conserved. In addition, the in silico prediction for this alteration is inconclusive. Since supporting evidence is limited at this time, the clinical significance of this alteration remains unclear.